The following is an entry in ClinVar:

NM_180989.6(GPR180):c.459A>G (p.Pro153=)

Gene: GPR180 (G protein-coupled receptor 180; plus strand). Cytogenetic location: 13q32.1.
Variant type: single nucleotide variant.
Coding change: c.459A>G on transcript NM_180989.6 (MANE Select); coding-DNA position 459, A replaced by G.
Protein change: p.Pro153=; no amino-acid change (proline 153 retained).
Molecular consequence: synonymous variant.
Genome position (GRCh38, 1-based): chr13:94,612,344, A>G. VCF-style: chr13-94612344-A-G. GRCh37 (hg19) VCF-style: chr13-95264598-A-G.
Identifiers: ClinVar variation 3059123 (VCV003059123.2), dbSNP rs74900909, ClinGen allele CA7018352.
Genomic context (GRCh38, chr13:94,612,344, plus strand): 5'-AGATGACAAGGAGAATTCTCAGGTGGAAGATATCCCATTTGAAATGGTGTTACTAAACCC[A>G]GATGCCGAAGGGAATCCATTTGATCATTTTAGTGCTGGAGAATCTGGTAAGAATATGTAT-3'
Protein context (NP_851320.1, residues 143-163): DIPFEMVLLN[Pro153=]DAEGNPFDHF

ClinVar aggregate classification (germline): Benign (0 of 4 stars; one submission).

Conditions:
GPR180-related disorder. Also called: GPR180-related condition.

Allele frequency attached by ClinVar (database versions not stated): ESP Exome Variant Server 0.00115; gnomAD exomes 0.00567; gnomAD 0.00721; TOPMed 0.01084; ExAC 0.01448; 1000 Genomes Project 0.02037; 1000 Genomes Project 30x 0.02124.
gnomAD v4.1: 9,495 of 1,613,630 alleles (0.59%); highest among the groups gnomAD compares: East Asian, 9.2%; 303 homozygotes.

Submission:

PreventionGenetics, part of Exact Sciences
Classification: Benign for GPR180-related condition. Last evaluated: 2019-10-18. Review status: no assertion criteria provided. Collection method: clinical testing. Allele origin: germline.
Comment: This variant is classified as benign based on ACMG/AMP sequence variant interpretation guidelines (Richards et al. 2015 PMID: 25741868, with internal and published modifications).